The following is an entry in ClinVar:

NM_001164508.2(NEB):c.10347G>A (p.Lys3449=)

Gene: NEB (nebulin; minus strand). Cytogenetic location: 2q23.3.
Variant type: single nucleotide variant.
Coding change: c.10347G>A on transcript NM_001164508.2 (MANE Select); coding-DNA position 10347, G replaced by A.
Protein change: p.Lys3449=; no amino-acid change (lysine 3449 retained).
Molecular consequence: synonymous variant.
Genome position (GRCh38, 1-based): chr2:151,627,002, C>T on the plus strand (G>A on the coding strand, the complement: NEB is on the minus strand). VCF-style: chr2-151627002-C-T. GRCh37 (hg19) VCF-style: chr2-152483516-C-T.
Other names: c.10347G>A, p.Lys3449= (NM_001164507.2, NM_001271208.2); c.9618G>A, p.Lys3206= (NM_004543.5).
Identifiers: ClinVar variation 945268 (VCV000945268.5), dbSNP rs1051033510, ClinGen allele CA57647490.

ClinVar aggregate classification (germline): Uncertain significance (1 of 4 stars; one submission).

Conditions:
Nemaline myopathy 2 (NEM2). Also called: Nemaline myopathy 2, autosomal recessive. Identifiers: MedGen C1850569, MONDO:0009725, OMIM 256030.

Submission:

Labcorp Genetics (formerly Invitae), Labcorp
Classification: Uncertain significance for Nemaline myopathy 2. Last evaluated: 2022-09-07. Review status: criteria provided, single submitter. Criteria: Invitae Variant Classification Sherloc (09022015). Collection method: clinical testing. Allele origin: germline.
Comment: In summary, the available evidence is currently insufficient to determine the role of this variant in disease. Therefore, it has been classified as a Variant of Uncertain Significance. Variants that disrupt the consensus splice site are a relatively common cause of aberrant splicing (PMID: 17576681, 9536098). Algorithms developed to predict the effect of sequence changes on RNA splicing suggest that this variant may create or strengthen a splice site. ClinVar contains an entry for this variant (Variation ID: 945268). This variant has not been reported in the literature in individuals affected with NEB-related conditions. This variant is not present in population databases (gnomAD no frequency). This sequence change affects codon 3449 of the NEB mRNA. It is a 'silent' change, meaning that it does not change the encoded amino acid sequence of the NEB protein. This variant also falls at the last nucleotide of exon 70, which is part of the consensus splice site for this exon.

Literature cited by the submitters: PubMed 17576681; PubMed 9536098.